The following is an entry in ClinVar:

NM_005902.4(SMAD3):c.1080T>G (p.Phe360Leu)

Gene: SMAD3 (SMAD family member 3; plus strand). Cytogenetic location: 15q22.33.
Variant type: single nucleotide variant.
Coding change: c.1080T>G on transcript NM_005902.4 (MANE Select); coding-DNA position 1080, T replaced by G.
Protein change: p.Phe360Leu; replaces phenylalanine 360 with leucine.
Molecular consequence: missense variant.
Genome position (GRCh38, 1-based): chr15:67,187,435, T>G. VCF-style: chr15-67187435-T-G. GRCh37 (hg19) VCF-style: chr15-67479773-T-G.
Other names: c.765T>G, p.Phe255Leu (NM_001145102.2); c.948T>G, p.Phe316Leu (NM_001145103.2); c.495T>G, p.Phe165Leu (NM_001145104.2); short protein forms F255L, F360L, F165L, F316L.
Identifiers: ClinVar variation 1353830 (VCV001353830.6), dbSNP rs2140323584, ClinGen allele CA392958207.

ClinVar aggregate classification (germline): Uncertain significance (1 of 4 stars; one submission).

Conditions:
Familial thoracic aortic aneurysm and aortic dissection (TAAD). Also called: Thoracic aortic aneurysms and dissections. Identifiers: Orphanet 91387, MedGen C4707243, MONDO:0019625.

Submission:

Labcorp Genetics (formerly Invitae), Labcorp
Classification: Uncertain significance for Familial thoracic aortic aneurysm and aortic dissection. Last evaluated: 2022-12-18. Review status: criteria provided, single submitter. Criteria: Invitae Variant Classification Sherloc (09022015). Collection method: clinical testing. Allele origin: germline.
Comment: This sequence change replaces phenylalanine, which is neutral and non-polar, with leucine, which is neutral and non-polar, at codon 360 of the SMAD3 protein (p.Phe360Leu). This variant is not present in population databases (gnomAD no frequency). This variant has not been reported in the literature in individuals affected with SMAD3-related conditions. ClinVar contains an entry for this variant (Variation ID: 1353830). Advanced modeling of protein sequence and biophysical properties (such as structural, functional, and spatial information, amino acid conservation, physicochemical variation, residue mobility, and thermodynamic stability) performed at Invitae indicates that this missense variant is expected to disrupt SMAD3 protein function. In summary, the available evidence is currently insufficient to determine the role of this variant in disease. Therefore, it has been classified as a Variant of Uncertain Significance.